The following is an entry in ClinVar:

ClinVar aggregate classification (germline): Pathogenic (1 of 4 stars; one submission).

Conditions:
Hereditary cancer-predisposing syndrome. Also called: Neoplastic Syndromes, Hereditary; Tumor predisposition; Hereditary Cancer Syndrome; Hereditary neoplastic syndrome. Identifiers: Orphanet 140162, MedGen C0027672, MeSH D009386, MONDO:0015356.

Submission:

Ambry Genetics
Classification: Pathogenic for Hereditary cancer-predisposing syndrome. Last evaluated: 2026-05-08. Review status: criteria provided, single submitter. Criteria: Ambry Variant Classification Scheme 2023. Collection method: clinical testing. Allele origin: germline.
Comment: The c.619_629dup11 variant, located in coding exon 5 of the STK11 gene, results from a duplication of GACGACACCTG at nucleotide positions 619 to 629, causing a translational frameshift with a predicted alternate stop codon (p.C210Wfs*81). This variant was reported in individual(s) with features consistent with Peutz-Jeghers syndrome (Ambry internal data). This variant is considered to be rare based on population cohorts in the Genome Aggregation Database (gnomAD). This variant is expected to result in loss of function by premature protein truncation or nonsense-mediated mRNA decay. As such, this variant is interpreted as a disease-causing mutation.

NM_000455.5(STK11):c.619_629dup (p.Cys210fs)

Gene: STK11 (serine/threonine kinase 11; plus strand). Cytogenetic location: 19p13.3.
Variant type: Duplication.
Coding change: c.619_629dup on transcript NM_000455.5 (MANE Select); coding-DNA positions 619 to 629, 11 bases duplicated (GACGACACCTG).
Protein change: p.Cys210fs; shifts the reading frame from cysteine 210.
Molecular consequence: frameshift variant. On other transcripts: non-coding transcript variant (1).
Genome position (GRCh38, 1-based): chr19:1,220,602-1,220,612, GACGACACCTG duplicated; duplicating any 11 consecutive bases within chr19:1,220,601-1,220,612 gives the same sequence; the c. name uses the placement nearest the transcript's 3' end. VCF-style (leftmost placement, unchanged base first): chr19-1220600-C-CGGACGACACCT. GRCh37 (hg19) VCF-style: chr19-1220599-C-CGGACGACACCT.
Other names: c.619_629dupGACGACACCTG (NM_000455.4); c.619_629dup, p.Cys210fs (NM_001407255.1); short protein forms C210fs.
Identifiers: ClinVar variation 4865210 (VCV004865210.1).